The following is an entry in ClinVar:

ClinVar aggregate classification (germline): Uncertain significance (1 of 4 stars; one submission).

Conditions:
Familial thoracic aortic aneurysm and aortic dissection (TAAD). Also called: Thoracic aortic aneurysms and dissections. Identifiers: Orphanet 91387, MedGen C4707243, MONDO:0019625.
Marfan syndrome (MFS). Also called: MARFAN SYNDROME, TYPE I; Marfan syndrome type 1; Marfan's syndrome; Marfan syndrome, classic; FBN1-Related Marfan Syndrome. Identifiers: Orphanet 284963, Orphanet 558, MedGen C0024796, MONDO:0007947, OMIM 154700.

Submission:

Labcorp Genetics (formerly Invitae), Labcorp
Classification: Uncertain significance for Marfan syndrome; Familial thoracic aortic aneurysm and aortic dissection. Last evaluated: 2022-10-28. Review status: criteria provided, single submitter. Criteria: Invitae Variant Classification Sherloc (09022015). Collection method: clinical testing. Allele origin: germline.
Comment: In summary, the available evidence is currently insufficient to determine the role of this variant in disease. Therefore, it has been classified as a Variant of Uncertain Significance. Advanced modeling of protein sequence and biophysical properties (such as structural, functional, and spatial information, amino acid conservation, physicochemical variation, residue mobility, and thermodynamic stability) performed at Invitae indicates that this missense variant is expected to disrupt FBN1 protein function. This variant has not been reported in the literature in individuals affected with FBN1-related conditions. This variant is not present in population databases (gnomAD no frequency). This sequence change replaces asparagine, which is neutral and polar, with isoleucine, which is neutral and non-polar, at codon 1168 of the FBN1 protein (p.Asn1168Ile).

NM_000138.5(FBN1):c.3503A>T (p.Asn1168Ile)

Gene: FBN1 (fibrillin 1; minus strand). Cytogenetic location: 15q21.1.
Variant type: single nucleotide variant.
Coding change: c.3503A>T on transcript NM_000138.5 (MANE Select); coding-DNA position 3503, A replaced by T.
Protein change: p.Asn1168Ile; replaces asparagine 1168 with isoleucine.
Molecular consequence: missense variant.
Genome position (GRCh38, 1-based): chr15:48,487,161, T>A on the plus strand (A>T on the coding strand, the complement: FBN1 is on the minus strand). VCF-style: chr15-48487161-T-A. GRCh37 (hg19) VCF-style: chr15-48779358-T-A.
Other names: c.3503A>T, p.Asn1168Ile (NM_001406716.1); short protein forms N1168I.
Identifiers: ClinVar variation 2042296 (VCV002042296.4), dbSNP rs776667707, ClinGen allele CA392325227.